The following is an entry in ClinVar:

NM_004204.5(PIGQ):c.1244A>G (p.His415Arg)

Gene: PIGQ (phosphatidylinositol glycan anchor biosynthesis class Q; plus strand). Cytogenetic location: 16p13.3.
Variant type: single nucleotide variant.
Coding change: c.1244A>G on transcript NM_004204.5 (MANE Select); coding-DNA position 1244, A replaced by G.
Protein change: p.His415Arg; replaces histidine 415 with arginine.
Molecular consequence: missense variant.
Genome position (GRCh38, 1-based): chr16:579,089, A>G. VCF-style: chr16-579089-A-G. GRCh37 (hg19) VCF-style: chr16-629089-A-G.
Other names: c.1244A>G, p.His415Arg (NM_148920.4); short protein forms H415R.
Identifiers: ClinVar variation 1440484 (VCV001440484.5), dbSNP rs2035771354, ClinGen allele CA394057594.

ClinVar aggregate classification (germline): Uncertain significance (1 of 4 stars; one submission).

Conditions:
Epilepsy. Also called: Seizure disorder. Identifiers: MedGen C0014544, MeSH D004827, MONDO:0005027.

Allele frequency attached by ClinVar (database versions not stated): TOPMed below 0.00001; gnomAD exomes 0.00002.
gnomAD v4.1: 22 of 1,612,672 alleles (0.0014%); highest among the groups gnomAD compares: Non-Finnish European, 0.0018%; no homozygotes.

Submission:

Labcorp Genetics (formerly Invitae), Labcorp
Classification: Uncertain significance for Epilepsy. Last evaluated: 2021-08-24. Review status: criteria provided, single submitter. Criteria: Invitae Variant Classification Sherloc (09022015). Collection method: clinical testing. Allele origin: germline.
Comment: This sequence change replaces histidine with arginine at codon 415 of the PIGQ protein (p.His415Arg). The histidine residue is weakly conserved and there is a small physicochemical difference between histidine and arginine. This variant is not present in population databases (ExAC no frequency). This variant has not been reported in the literature in individuals affected with PIGQ-related conditions. Algorithms developed to predict the effect of missense changes on protein structure and function (SIFT, PolyPhen-2, Align-GVGD) all suggest that this variant is likely to be tolerated. In summary, the available evidence is currently insufficient to determine the role of this variant in disease. Therefore, it has been classified as a Variant of Uncertain Significance.